The following is an entry in ClinVar:

NM_001079802.2(FKTN):c.394A>G (p.Asn132Asp)

Gene: FKTN (fukutin; plus strand). Cytogenetic location: 9q31.2.
Variant type: single nucleotide variant.
Coding change: c.394A>G on transcript NM_001079802.2 (MANE Select); coding-DNA position 394, A replaced by G.
Protein change: p.Asn132Asp; replaces asparagine 132 with aspartic acid.
Molecular consequence: missense variant. On other transcripts: 5 prime UTR variant (4), non-coding transcript variant (2).
Genome position (GRCh38, 1-based): chr9:105,604,239, A>G. VCF-style: chr9-105604239-A-G. GRCh37 (hg19) VCF-style: chr9-108366520-A-G.
Other names: c.394A>G, p.Asn132Asp (NM_001198963.2, NM_001351496.2, NM_001351498.2 and 1 more transcripts); c.325A>G, p.Asn109Asp (NM_001351497.2); c.-3A>G (NM_001351499.2, NM_001351500.2, NM_001351501.2 and 1 more transcripts); short protein forms N132D, N109D.
Identifiers: ClinVar variation 1364676 (VCV001364676.5), dbSNP rs2132791236, ClinGen allele CA374331906.

ClinVar aggregate classification (germline): Uncertain significance. Review status: criteria provided, multiple submitters, no conflicts (2 of 4 stars). 2 submissions from 2 submitters: Uncertain significance (2). Last evaluated 2021-11-03.

Conditions:
Cardiovascular phenotype. Identifiers: MedGen CN230736.
Walker-Warburg congenital muscular dystrophy. Also called: Muscular dystrophy-dystroglycanopathy, type A; Walker-Warburg syndrome. Identifiers: Orphanet 899, MedGen C0265221, MONDO:0000171.

Submissions (2):

Labcorp Genetics (formerly Invitae), Labcorp
Classification: Uncertain significance for Walker-Warburg congenital muscular dystrophy. Last evaluated: 2021-11-03. Review status: criteria provided, single submitter. Criteria: Invitae Variant Classification Sherloc (09022015). Collection method: clinical testing. Allele origin: germline.
Comment: This sequence change replaces asparagine, which is neutral and polar, with aspartic acid, which is acidic and polar, at codon 132 of the FKTN protein (p.Asn132Asp). This variant is not present in population databases (gnomAD no frequency). This variant has not been reported in the literature in individuals affected with FKTN-related conditions. Algorithms developed to predict the effect of missense changes on protein structure and function (SIFT, PolyPhen-2, Align-GVGD) all suggest that this variant is likely to be tolerated. In summary, the available evidence is currently insufficient to determine the role of this variant in disease. Therefore, it has been classified as a Variant of Uncertain Significance.

Ambry Genetics
Classification: Uncertain significance for Cardiovascular phenotype. Last evaluated: 2021-04-11. Review status: criteria provided, single submitter. Criteria: Ambry Variant Classification Scheme 2023. Collection method: clinical testing. Allele origin: germline.
Comment: The p.N132D variant (also known as c.394A>G), located in coding exon 4 of the FKTN gene, results from an A to G substitution at nucleotide position 394. The asparagine at codon 132 is replaced by aspartic acid, an amino acid with highly similar properties. This amino acid position is not well conserved in available vertebrate species. In addition, this alteration is predicted to be tolerated by in silico analysis. Since supporting evidence is limited at this time, the clinical significance of this alteration remains unclear.